The following is an entry in ClinVar:

ClinVar aggregate classification (germline): Uncertain significance (1 of 4 stars; one submission).

Conditions:
CHARGE syndrome (CHARGE). Also called: Coloboma, heart anomaly, choanal atresia, retardation, genital and ear anomalies; CHARGE association; Hall-Hittner syndrome; Hittner Hirsch Kreh syndrome; CHARGE ASSOCIATION--COLOBOMA, HEART ANOMALY, CHOANAL ATRESIA, RETARDATION, GENITAL AND EAR ANOMALIES. Identifiers: Orphanet 138, MedGen C0265354, MONDO:0008965.

Allele frequency attached by ClinVar (database versions not stated): gnomAD exomes below 0.00001.
gnomAD v4.1: 2 of 1,610,240 alleles (0.00012%); highest among the groups gnomAD compares: Non-Finnish European, 0.00017%; no homozygotes.

Submission:

Labcorp Genetics (formerly Invitae), Labcorp
Classification: Uncertain significance for CHARGE syndrome. Last evaluated: 2024-10-16. Review status: criteria provided, single submitter. Criteria: Invitae Variant Classification Sherloc (09022015). Collection method: clinical testing. Allele origin: germline.
Comment: This sequence change replaces asparagine, which is neutral and polar, with serine, which is neutral and polar, at codon 2929 of the CHD7 protein (p.Asn2929Ser). This variant is not present in population databases (gnomAD no frequency). This variant has not been reported in the literature in individuals affected with CHD7-related conditions. ClinVar contains an entry for this variant (Variation ID: 643128). Invitae Evidence Modeling of protein sequence and biophysical properties (such as structural, functional, and spatial information, amino acid conservation, physicochemical variation, residue mobility, and thermodynamic stability) indicates that this missense variant is not expected to disrupt CHD7 protein function with a negative predictive value of 95%. In summary, the available evidence is currently insufficient to determine the role of this variant in disease. Therefore, it has been classified as a Variant of Uncertain Significance.

NM_017780.4(CHD7):c.8786A>G (p.Asn2929Ser)

Gene: CHD7 (chromodomain helicase DNA binding protein 7; plus strand). Cytogenetic location: 8q12.2.
Variant type: single nucleotide variant.
Coding change: c.8786A>G on transcript NM_017780.4 (MANE Select); coding-DNA position 8786, A replaced by G.
Protein change: p.Asn2929Ser; replaces asparagine 2929 with serine.
Molecular consequence: missense variant.
Genome position (GRCh38, 1-based): chr8:60,865,725, A>G. VCF-style: chr8-60865725-A-G. GRCh37 (hg19) VCF-style: chr8-61778284-A-G.
Other names: c.2639A>G, p.Asn880Ser (NM_001316690.1); short protein forms N2929S, N880S.
Identifiers: ClinVar variation 643128 (VCV000643128.8), dbSNP rs1586469053, ClinGen allele CA371311881.